The following is an entry in ClinVar:

ClinVar aggregate classification (germline): Conflicting classifications of pathogenicity. Review status: criteria provided, conflicting classifications (1 of 4 stars). 2 submissions from 2 submitters: Likely pathogenic (1); Uncertain significance (1). Last evaluated 2024-12-12.

Conditions:
Osteogenesis imperfecta type I (OI1). Also called: Lobstein's Disease; Lobstein disease; Classic Non-deforming Osteogenesis Imperfecta with Blue Sclerae; OI, TYPE I; OSTEOGENESIS IMPERFECTA TARDA; OSTEOGENESIS IMPERFECTA WITH BLUE SCLERAE. Identifiers: Orphanet 216796, Orphanet 666, MedGen C0023931, MONDO:0008146, OMIM 166200. Disease mechanism: loss of function.

Allele frequency attached by ClinVar (database versions not stated): TOPMed below 0.00001; gnomAD 0.00001.

Submissions (2):

GeneDx
Classification: Uncertain significance. Last evaluated: 2024-12-12. Review status: criteria provided, single submitter. Criteria: GeneDx Variant Classification Process June 2021. Collection method: clinical testing. Allele origin: germline. Affected: yes.
Comment: In silico analysis supports that this missense variant has a deleterious effect on protein structure/function; This variant is associated with the following publications: (PMID: 27975164, 25289482, 25633413)

Labcorp Genetics (formerly Invitae), Labcorp
Classification: Likely pathogenic for Osteogenesis imperfecta type I. Last evaluated: 2022-06-28. Review status: criteria provided, single submitter. Criteria: Invitae Variant Classification Sherloc (09022015). Collection method: clinical testing. Allele origin: germline.
Comment: In summary, the currently available evidence indicates that the variant is pathogenic, but additional data are needed to prove that conclusively. Therefore, this variant has been classified as Likely Pathogenic. Advanced modeling of protein sequence and biophysical properties (such as structural, functional, and spatial information, amino acid conservation, physicochemical variation, residue mobility, and thermodynamic stability) performed at Invitae indicates that this missense variant is expected to disrupt COL1A1 protein function. ClinVar contains an entry for this variant (Variation ID: 432942). This missense change has been observed in individual(s) with osteogenesis imperfecta (PMID: 25633413). This variant is present in population databases (rs780472683, gnomAD 0.06%). This sequence change replaces valine, which is neutral and non-polar, with leucine, which is neutral and non-polar, at codon 1289 of the COL1A1 protein (p.Val1289Leu).

Literature cited by the submitters: PubMed 25633413 (cited by Labcorp Genetics (formerly Invitae), Labcorp).

NM_000088.4(COL1A1):c.3865G>C (p.Val1289Leu)

Gene: COL1A1 (collagen type I alpha 1 chain; minus strand). Cytogenetic location: 17q21.33.
Variant type: single nucleotide variant.
Coding change: c.3865G>C on transcript NM_000088.4 (MANE Select); coding-DNA position 3865, G replaced by C.
Protein change: p.Val1289Leu; replaces valine 1289 with leucine.
Molecular consequence: missense variant.
Genome position (GRCh38, 1-based): chr17:50,186,457, C>G on the plus strand (G>C on the coding strand, the complement: COL1A1 is on the minus strand). VCF-style: chr17-50186457-C-G. GRCh37 (hg19) VCF-style: chr17-48263818-C-G.
Other names: short protein forms V1289L.
Identifiers: ClinVar variation 432942 (VCV000432942.7), dbSNP rs780472683, ClinGen allele CA8644327.
Genomic context (GRCh38, chr17:50,186,457, plus strand): 5'-GGGCCACACTGGGCTGAGTGGGGTACACGCAGGTCTCACCAGTCTCCATGTTGCAGAAGA[C>G]TTTGATGGCATCCAGGTTGCAGCCTTGGTTGGGGTCAATCCAGTACTCTCCTGTGGTAGG-3'
Protein context (NP_000079.2, residues 1279-1299): NQGCNLDAIK[Val1289Leu]FCNMETGETC